The following is an entry in ClinVar:

ClinVar aggregate classification (germline): Benign (1 of 4 stars; one submission).

Allele frequency attached by ClinVar (database versions not stated): 1000 Genomes Project 0.32288; 1000 Genomes Project 30x 0.32761; TOPMed 0.42091; gnomAD 0.44138.
gnomAD v4.1: 67,208 of 152,050 alleles (44%); highest among the groups gnomAD compares: Non-Finnish European, 50%; 15,816 homozygotes.

Submission:

Unidad de Genómica Garrahan, Hospital de Pediatría Garrahan
Classification: Benign. Last evaluated: 2024-01-24. Review status: criteria provided, single submitter. Criteria: ACMG Guidelines, 2015. Collection method: clinical testing. Allele origin: germline. Affected: no. Observed: 58 variant alleles.
Comment: This variant is classified as Benign based on local population frequency. This variant was detected in 61% of patients studied by a panel of primary immunodeficiencies. Number of patients: 58. Only high quality variants are reported.

NC_000002.12:g.97741354G>T

Gene: ZAP70 (zeta chain of T cell receptor associated protein kinase 70; plus strand). Cytogenetic location: 2q11.2.
Variant type: single nucleotide variant.
Genome position: GRCh38 VCF-style: chr2-97741354-G-T. GRCh37 (hg19) VCF-style: chr2-98357817-G-T.
Identifiers: ClinVar variation 2688068 (VCV002688068.2), dbSNP rs62157588, ClinGen allele CA11075901.